The following is an entry in ClinVar:

ClinVar aggregate classification (germline): Uncertain significance (1 of 4 stars; one submission).

Conditions:
Cardiovascular phenotype. Identifiers: MedGen CN230736.

Allele frequency attached by ClinVar (database versions not stated): gnomAD exomes 0.00001.
gnomAD v4.1: 3 of 1,613,008 alleles (0.00019%); highest among the groups gnomAD compares: Admixed American, 0.005%; no homozygotes.

Submission:

Ambry Genetics
Classification: Uncertain significance for Cardiovascular phenotype. Last evaluated: 2026-09-11. Review status: criteria provided, single submitter. Criteria: Ambry Variant Classification Scheme 2023. Collection method: clinical testing. Allele origin: germline.
Comment: The p.T4037I variant (also known as c.12110C>T), located in coding exon 29 of the APOB gene, results from a C to T substitution at nucleotide position 12110. The threonine at codon 4037 is replaced by isoleucine, an amino acid with similar properties. This amino acid position is conserved. In addition, this alteration is predicted to be tolerated by in silico analysis. Based on the available evidence, the clinical significance of this variant remains unclear.

NM_000384.3(APOB):c.12110C>T (p.Thr4037Ile)

Gene: APOB (apolipoprotein B; minus strand). Cytogenetic location: 2p24.1.
Variant type: single nucleotide variant.
Coding change: c.12110C>T on transcript NM_000384.3 (MANE Select); coding-DNA position 12110, C replaced by T.
Protein change: p.Thr4037Ile; replaces threonine 4037 with isoleucine.
Molecular consequence: missense variant.
Genome position (GRCh38, 1-based): chr2:21,003,312, G>A on the plus strand (C>T on the coding strand, the complement: APOB is on the minus strand). VCF-style: chr2-21003312-G-A. GRCh37 (hg19) VCF-style: chr2-21226184-G-A.
Other names: short protein forms T4037I.
Identifiers: ClinVar variation 2335913 (VCV002335913.3), dbSNP rs1332942235, ClinGen allele CA345972748.